The following is an entry in ClinVar:

NM_000263.4(NAGLU):c.1693C>T (p.Arg565Trp)

Gene: NAGLU (N-acetyl-alpha-glucosaminidase; plus strand). Cytogenetic location: 17q21.2.
Variant type: single nucleotide variant.
Coding change: c.1693C>T on transcript NM_000263.4 (MANE Select); coding-DNA position 1693, C replaced by T.
Protein change: p.Arg565Trp; replaces arginine 565 with tryptophan.
Molecular consequence: missense variant.
Genome position (GRCh38, 1-based): chr17:42,543,699, C>T. VCF-style: chr17-42543699-C-T. GRCh37 (hg19) VCF-style: chr17-40695717-C-T.
Other names: short protein forms R565W.
Identifiers: ClinVar variation 1567 (VCV000001567.40), dbSNP rs104894597, ClinGen allele CA115050.

ClinVar aggregate classification (germline): Pathogenic. Review status: criteria provided, multiple submitters, no conflicts (2 of 4 stars). 13 submissions from 13 submitters: Pathogenic (11). 2 of the submissions do not count toward it. Last evaluated 2025-12-17.

Conditions:
NAGLU-related disorder. Also called: NAGLU-related condition.
Mucopolysaccharidosis, MPS-III-B (MPS3B). Also called: MPS IIIB (Sanfilippo Syndrome Type B); N-ACETYL-ALPHA-D-GLUCOSAMINIDASE DEFICIENCY; NAGLU DEFICIENCY; Mucopolysaccharidosis type IIIB (Sanfilippo B); SANFILIPPO SYNDROME B; MPS III B. Identifiers: Orphanet 79270, MedGen C0086648, MONDO:0009656, OMIM 252920.
Charcot-Marie-Tooth disease axonal type 2V. Also called: CHARCOT-MARIE-TOOTH DISEASE, AXONAL, AUTOSOMAL DOMINANT, TYPE 2V; CHARCOT-MARIE-TOOTH NEUROPATHY, TYPE 2V. Identifiers: Orphanet 447964, MedGen C5569050, MONDO:0014665, OMIM 616491.

Allele frequency attached by ClinVar (database versions not stated): ExAC 0.00003; gnomAD exomes 0.00003 and 0.00004; TOPMed 0.00004; gnomAD 0.00010.
gnomAD v4.1: 60 of 1,612,476 alleles (0.0037%); highest among the groups gnomAD compares: East Asian, 0.0089%; no homozygotes.

Submissions (13):

Natera, Inc.
Classification: Pathogenic for Mucopolysaccharidosis type IIIB. Last evaluated: 2025-12-17. Review status: criteria provided, single submitter. Criteria: Natera Variant Classification Schema (03/2026). Collection method: clinical testing. Allele origin: germline.
Comment: The c.1693C>T variant in NAGLU is a missense variant predicted to cause substitution of arginine to tryptophan at amino acid 565. This variant is rare in the general population with a frequency below the threshold expected for the associated phenotype(s). This variant has been observed in one or more individuals affected with the associated recessive disease, as either homozygous or compound heterozygous with a second variant (PMID: 12202988, 34440436, 23380547). Additionally, this variant has been observed to segregate in affected family members (PMID: 23380547). Computational prediction algorithms indicate this variant is likely to affect gene or protein function. Given the available evidence, this variant is classified as Pathogenic.

Labcorp Genetics (formerly Invitae), Labcorp
Classification: Pathogenic for Charcot-Marie-Tooth disease axonal type 2V; Mucopolysaccharidosis, MPS-III-B. Last evaluated: 2025-11-23. Review status: criteria provided, single submitter. Criteria: Invitae Variant Classification Sherloc (09022015). Collection method: clinical testing. Allele origin: germline.
Comment: This sequence change replaces arginine, which is basic and polar, with tryptophan, which is neutral and slightly polar, at codon 565 of the NAGLU protein (p.Arg565Trp). This variant is present in population databases (rs104894597, gnomAD 0.04%). This missense change has been observed in individual(s) with mucopolysaccharidosis type IIIB (PMID: 9832037, 12202988, 25466957). In at least one individual the data is consistent with being in trans (on the opposite chromosome) from a pathogenic variant. It has also been observed to segregate with disease in related individuals. ClinVar contains an entry for this variant (Variation ID: 1567). Invitae Evidence Modeling of protein sequence and biophysical properties (such as structural, functional, and spatial information, amino acid conservation, physicochemical variation, residue mobility, and thermodynamic stability) indicates that this missense variant is expected to disrupt NAGLU protein function with a positive predictive value of 95%. This variant disrupts the p.Arg565 amino acid residue in NAGLU. Other variant(s) that disrupt this residue have been determined to be pathogenic (PMID: 9950362, 20852935, 28751108). This suggests that this residue is clinically significant, and that variants that disrupt this residue are likely to be disease-causing. For these reasons, this variant has been classified as Pathogenic.

CeGaT Center for Human Genetics Tuebingen
Classification: Pathogenic. Last evaluated: 2025-01-01. Review status: criteria provided, single submitter. Criteria: CeGaT Center For Human Genetics Tuebingen Variant Classification Criteria Version 2. Collection method: clinical testing. Allele origin: germline. Affected: yes. Observed: 1 variant allele.
Comment: NAGLU: PM3:Very Strong, PP1:Strong, PM2, PM5

GeneDx
Classification: Pathogenic. Last evaluated: 2024-11-26. Review status: criteria provided, single submitter. Criteria: GeneDx Variant Classification Process June 2021. Collection method: clinical testing. Allele origin: germline.
Comment: In silico analysis supports that this missense variant has a deleterious effect on protein structure/function; This variant is associated with the following publications: (PMID: 23380547, 20852935, 25466957, 9832037, 11668611, 10094189, 11286389, 34440436, 31589614, 32014045, 35314707, 34806811, 35709957, 29979746, 15933803, 18218046)

Fulgent Genetics
Classification: Pathogenic for Mucopolysaccharidosis, MPS-III-B; Charcot-Marie-Tooth disease axonal type 2V. Last evaluated: 2024-03-18. Review status: criteria provided, single submitter. Criteria: ACMG Guidelines, 2015. Collection method: clinical testing. Allele origin: germline.

Blueprint Genetics
Classification: Pathogenic for NAGLU-related disorders. Last evaluated: 2023-04-24. Review status: criteria provided, single submitter. Criteria: ACMG Guidelines, 2015. Collection method: clinical testing. Allele origin: germline. Affected: yes. Observed: 3 variant alleles.

Department of Pathology and Laboratory Medicine, Sinai Health System
Classification: Pathogenic for Mucopolysaccharidosis, MPS-III-B; Charcot-Marie-Tooth disease axonal type 2V. Last evaluated: 2022-09-16. Review status: criteria provided, single submitter. Criteria: ACMG Guidelines, 2015. Collection method: research. Allele origin: germline.

Mendelics
Classification: Pathogenic for Mucopolysaccharidosis, MPS-III-B. Last evaluated: 2019-05-28. Review status: criteria provided, single submitter. Criteria: Mendelics Assertion Criteria 2017. Collection method: clinical testing. Allele origin: unknown.

Women's Health and Genetics/Laboratory Corporation of America, LabCorp
Classification: Pathogenic for Mucopolysaccharidosis, MPS-III-B. Last evaluated: 2017-10-02. Review status: criteria provided, single submitter. Criteria: LabCorp Variant Classification Summary - May 2015. Collection method: clinical testing. Allele origin: germline.
Comment: Variant summary: The NAGLU c.1693C>T (p.Arg565Trp) variant located in the Alpha-N-acetylglucosaminidase, C-terminal domain (IPR024732) (InterPro) causes a missense change involving a conserved nucleotide and 4/4 in silico tools predict a damaging outcome for this variant (SNPsandGO not captured due to low reliability index). Functional enzymatic studies showed very low to no alpha-N-acetyl-glucosaminidase activity in peripheral leukocytes and cultured fibroblasts of homozygotes and compound heterozygotes (Tanaka_2002 and Shi_2014). The variant was found in 10/274834 control chromosomes (gnomAD) at a frequency of 0.0000364, which does not exceed the estimated maximal expected allele frequency of a pathogenic NAGLU variant (0.0025). This variant was reported in multiple patients diagnosed with Sanfilippo syndrome (mucopolysaccharidosis IIIB), associated with a severe phenotype (Beesley_2005, Weber_Genet_1999, Shi_2014). In addition, a clinical diagnostic laboratory and a reputable database classified this variant as pathogenic. Taken together, this variant is classified as pathogenic.

Illumina Laboratory Services, Illumina
Classification: Pathogenic for Mucopolysaccharidosis, MPS-III-B. Last evaluated: 2017-04-27. Review status: criteria provided, single submitter. Criteria: ICSL Variant Classification Criteria 09 May 2019. Collection method: clinical testing. Allele origin: germline.
Comment: The NAGLU c.1693C>T (p.Arg565Trp) variant has been reported to account for 3.4% of variant alleles in individuals with mucopolysaccharidosis type III and is associated with an attenuated phenotype (Yogalingham et al. 2001). The p.Arg565Trp variant has been reported in ten studies and is found in a total of 17 individuals including in four individuals in a homozygous state, in 11 individuals (including three sibling pairs) in a compound heterozygous state, and in two individuals in a heterozygous state (Beesley et al. 1998; Weber et al. 1999; Col et al. 2001; Tanaka et al. 2002; Lee-Chen et al. 2002; Beesley et al. 2005; Mangas et al. 2008; Valstar et al. 2010; Tang et al. 2013; Shi et al. 2014). The p.Arg565Trp variant was absent from 474 ethnically matched control chromosomes and is reported at a frequency of 0.00035 in the East Asian population of the Exome Aggregation Consortium. The p.Arg565Trp variant showed a drastic reduction in NAGLU enzyme activity despite normal mRNA levels in four studies (Lee-Chen et al. 2002; Mangas et al. 2008; Tang et al. 2013; Shi et al. 2014). Structural modelling showed that the p.Arg565Trp variant is located at the alpha-helical domain next to the enzyme binding site (Shi et al. 2014). Based on the collective evidence, the p.Arg565Trp variant is classified as pathogenic for mucopolysaccharidosis type III. This variant was observed by ICSL as part of a predisposition screen in an ostensibly healthy population.

Juno Genomics, Hangzhou Juno Genomics, Inc
Classification: Pathogenic for Mucopolysaccharidosis, MPS-III-B. Review status: criteria provided, single submitter. Criteria: ACMG Guidelines, 2015. Collection method: clinical testing. Allele origin: germline. Affected: yes.
Comment: Absent from controls (or at extremely low frequency if recessive) in Genome Aggregation Database, Exome Sequencing Project, 1000 Genomes Project, or Exome Aggregation Consortium.;Novel missense change at an amino acid residue where a different missense change determined to be pathogenic has been seen before.;For recessive disorders, detected in trans with a pathogenic variant.;Patient's phenotype or family history is highly specific for a disease with a single genetic etiology.;Multiple lines of computational evidence support a deleterious effect on the gene or gene product (conservation, evolutionary, splicing impact, etc).

Counsyl
Classification: Pathogenic for Mucopolysaccharidosis, MPS-III-B. Last evaluated: 2017-03-07. Review status: no assertion criteria provided. Collection method: clinical testing. Allele origin: unknown. Not counted in ClinVar's aggregate classification.

OMIM
Classification: Pathogenic for MUCOPOLYSACCHARIDOSIS, TYPE IIIB. Last evaluated: 1999-01-01. Review status: no assertion criteria provided. Collection method: literature only. Allele origin: germline. Not counted in ClinVar's aggregate classification.

Literature cited by the submitters: PubMed 12202988 (cited by 5 submitters); PubMed 34440436 (cited by Natera, Inc.); PubMed 23380547 (cited by 3 submitters); PubMed 9832037 (cited by 3 submitters); PubMed 25466957 (cited by 4 submitters); PubMed 9950362 (cited by Labcorp Genetics (formerly Invitae), Labcorp); PubMed 20852935 (cited by Labcorp Genetics (formerly Invitae), Labcorp and Illumina Laboratory Services, Illumina); PubMed 28751108 (cited by Labcorp Genetics (formerly Invitae), Labcorp); PubMed 10094189 (cited by 4 submitters); PubMed 16151907 (cited by 3 submitters); PubMed 11668611 (cited by Illumina Laboratory Services, Illumina); PubMed 11286389 (cited by Illumina Laboratory Services, Illumina); PubMed 11836372 (cited by Illumina Laboratory Services, Illumina and Counsyl); PubMed 18218046 (cited by Illumina Laboratory Services, Illumina and Counsyl); PubMed 26907177 (cited by Counsyl).